The following is an entry in ClinVar:

ClinVar aggregate classification (germline): Uncertain significance (1 of 4 stars; one submission).

Submission:

Labcorp Genetics (formerly Invitae), Labcorp
Classification: Uncertain significance. Last evaluated: 2022-10-18. Review status: criteria provided, single submitter. Criteria: Invitae Variant Classification Sherloc (09022015). Collection method: clinical testing. Allele origin: germline.
Comment: This sequence change replaces serine, which is neutral and polar, with glycine, which is neutral and non-polar, at codon 51 of the TAOK2 protein (p.Ser51Gly). This variant is not present in population databases (gnomAD no frequency). This variant has not been reported in the literature in individuals affected with TAOK2-related conditions. Algorithms developed to predict the effect of missense changes on protein structure and function (SIFT, PolyPhen-2, Align-GVGD) all suggest that this variant is likely to be tolerated. In summary, the available evidence is currently insufficient to determine the role of this variant in disease. Therefore, it has been classified as a Variant of Uncertain Significance.

NM_016151.4(TAOK2):c.151A>G (p.Ser51Gly)

Gene: TAOK2 (TAO kinase 2; plus strand). Cytogenetic location: 16p11.2.
Variant type: single nucleotide variant.
Coding change: c.151A>G on transcript NM_016151.4 (MANE Select); coding-DNA position 151, A replaced by G.
Protein change: p.Ser51Gly; replaces serine 51 with glycine.
Molecular consequence: missense variant.
Genome position (GRCh38, 1-based): chr16:29,978,107, A>G. VCF-style: chr16-29978107-A-G. GRCh37 (hg19) VCF-style: chr16-29989428-A-G.
Other names: c.151A>G, p.Ser51Gly (NM_001252043.2, NM_004783.4); short protein forms S51G.
Identifiers: ClinVar variation 1721816 (VCV001721816.5), dbSNP rs2543603008, ClinGen allele CA395469823.
Genomic context (GRCh38, chr16:29,978,107, plus strand): 5'-CTCTCAATGGGGCCTTCAACACCTTCTGGTCTGGTCCTCTAGGCCCGGGATGTCCGGAAT[A>G]GTGAGGTGGTGGCCATCAAGAAGATGTCCTACAGTGGGAAGCAGTCCAATGAGGTGGGCC-3'
Protein context (NP_057235.2, residues 41-61): AVYFARDVRN[Ser51Gly]EVVAIKKMSY